The following is an entry in ClinVar:

ClinVar aggregate classification (germline): Pathogenic (1 of 4 stars; one submission).

Conditions:
Autosomal recessive limb-girdle muscular dystrophy type 2O. Also called: Limb-Girdle Muscular Dystrophy Type 3C; MUSCULAR DYSTROPHY-DYSTROGLYCANOPATHY (LIMB-GIRDLE), TYPE C, 3; MUSCULAR DYSTROPHY-DYSTROGLYCANOPATHY, LIMB-GIRDLE, POMGNT1-RELATED. Identifiers: Orphanet 206564, MedGen C3150417, MONDO:0013161, OMIM 613157.
Muscular dystrophy-dystroglycanopathy (congenital with impaired intellectual development), type B, 3. Also called: MUSCULAR DYSTROPHY, CONGENITAL, POMGNT1-RELATED; Muscular dystrophy-dystroglycanopathy (congenital with intellectual disability), type B3. Identifiers: MedGen C3150412, MONDO:0013155, OMIM 613151.

Submission:

Labcorp Genetics (formerly Invitae), Labcorp
Classification: Pathogenic for Autosomal recessive limb-girdle muscular dystrophy type 2O; Muscular dystrophy-dystroglycanopathy (congenital with impaired intellectual development), type B, 3. Last evaluated: 2022-12-10. Review status: criteria provided, single submitter. Criteria: Invitae Variant Classification Sherloc (09022015). Collection method: clinical testing. Allele origin: germline.
Comment: This sequence change creates a premature translational stop signal (p.His142Glnfs*2) in the POMGNT1 gene. It is expected to result in an absent or disrupted protein product. Loss-of-function variants in POMGNT1 are known to be pathogenic (PMID: 19299310, 20816175, 21447391, 26908613, 27391550). This variant is not present in population databases (gnomAD no frequency). This variant has not been reported in the literature in individuals affected with POMGNT1-related conditions. Algorithms developed to predict the effect of sequence changes on RNA splicing suggest that this variant may create or strengthen a splice site. For these reasons, this variant has been classified as Pathogenic.

Literature cited by the submitters: PubMed 19299310; PubMed 20816175; PubMed 21447391; PubMed 26908613; PubMed 27391550.

NM_017739.4(POMGNT1):c.426del (p.His142fs)

Genes: POMGNT1 (protein O-linked mannose N-acetylglucosaminyltransferase 1 (beta 1,2-); minus strand), TSPAN1 (tetraspanin 1; plus strand). Cytogenetic location: 1p34.1.
Variant type: Deletion.
Coding change: c.426del on transcript NM_017739.4 (MANE Select); coding-DNA position 426, one base deleted (C; older notation c.426delC).
Protein change: p.His142fs; shifts the reading frame from histidine 142.
Molecular consequence: frameshift variant. On other transcripts: 5 prime UTR variant (1).
Genome position (GRCh38, 1-based): chr1:46,195,919, G deleted on the plus strand (C on the coding strand, the reverse complement: POMGNT1 is on the minus strand). VCF-style (leftmost placement, unchanged base first): chr1-46195918-CG-C. GRCh37 (hg19) VCF-style: chr1-46661590-CG-C.
Other names: c.426del, p.His142fs (NM_001243766.2, NM_001410783.1); c.360delC, p.His120Glnfs (NM_001290129.3); c.-4del (NM_001290130.2); short protein forms H120fs, H142fs.
Identifiers: ClinVar variation 2942048 (VCV002942048.3), dbSNP rs2525451564, ClinGen allele CA2740090724.